The following is an entry in ClinVar:

NM_001303052.2(MYT1L):c.216T>C (p.Ala72=)

Gene: MYT1L (myelin transcription factor 1 like; minus strand). Cytogenetic location: 2p25.3.
Variant type: single nucleotide variant.
Coding change: c.216T>C on transcript NM_001303052.2 (MANE Select); coding-DNA position 216, T replaced by C.
Protein change: p.Ala72=; no amino-acid change (alanine 72 retained).
Molecular consequence: synonymous variant.
Genome position (GRCh38, 1-based): chr2:1,943,271, A>G on the plus strand (T>C on the coding strand, the complement: MYT1L is on the minus strand). VCF-style: chr2-1943271-A-G. GRCh37 (hg19) VCF-style: chr2-1947043-A-G.
Other names: c.216T>C, p.Ala72= (NM_001329852.3, NM_015025.4, NM_001329849.3 and 6 more transcripts).
Identifiers: ClinVar variation 2650630 (VCV002650630.25), dbSNP rs762283340, ClinGen allele CA1514428.

ClinVar aggregate classification (germline): Likely benign. Review status: criteria provided, multiple submitters, no conflicts (2 of 4 stars). 2 submissions from 2 submitters: Likely benign (2). Last evaluated 2023-04-24.

Allele frequency attached by ClinVar (database versions not stated): TOPMed below 0.00001; gnomAD 0.00004; gnomAD exomes 0.00004; ExAC 0.00046.
gnomAD v4.1: 66 of 1,563,680 alleles (0.0042%); highest among the groups gnomAD compares: South Asian, 0.07%; no homozygotes.

Submissions (2):

Blueprint Genetics
Classification: Likely benign. Last evaluated: 2023-04-24. Review status: criteria provided, single submitter. Criteria: ACMG Guidelines, 2015. Collection method: clinical testing. Allele origin: germline.

CeGaT Center for Human Genetics Tuebingen
Classification: Likely benign. Last evaluated: 2022-07-01. Review status: criteria provided, single submitter. Criteria: CeGaT Center For Human Genetics Tuebingen Variant Classification Criteria Version 2. Collection method: clinical testing. Allele origin: germline. Affected: yes. Observed: 1 variant allele.
Comment: MYT1L: BP4, BP7